The following is an entry in ClinVar:

NM_152564.5(VPS13B):c.763-10C>T

Gene: VPS13B (vacuolar protein sorting 13 homolog B; plus strand). Cytogenetic location: 8q22.2.
Variant type: single nucleotide variant.
Coding change: c.763-10C>T on transcript NM_152564.5 (MANE Select); 10 bases into the intron before coding-DNA position 763, C replaced by T.
Molecular consequence: intron variant.
Genome position (GRCh38, 1-based): chr8:99,115,690, C>T. VCF-style: chr8-99115690-C-T. GRCh37 (hg19) VCF-style: chr8-100127918-C-T.
Other names: c.763-10C>T (NM_152564.4, NM_017890.5, NM_015243.3 and 1 more transcripts).
Identifiers: ClinVar variation 1147599 (VCV001147599.11), dbSNP rs375512611, ClinGen allele CA4822476.

ClinVar aggregate classification (germline): Likely benign. Review status: criteria provided, single submitter (1 of 4 stars). 2 submissions from 2 submitters: Likely benign (1). 1 of the submissions does not count toward it. Last evaluated 2026-01-17.

Conditions:
Cohen syndrome (COH1). Also called: Cutis verticis gyrata, retinitis pigmentosa, and sensorineural deafness; PEPPER SYNDROME. Identifiers: Orphanet 193, MedGen C0265223, MONDO:0008999, OMIM 216550.
VPS13B-related disorder. Also called: VPS13B-related condition.

Allele frequency attached by ClinVar (database versions not stated): ExAC 0.00001; gnomAD 0.00001; gnomAD exomes 0.00001.
gnomAD v4.1: 18 of 1,610,498 alleles (0.0011%); highest among the groups gnomAD compares: South Asian, 0.012%; no homozygotes.

Submissions (2):

Labcorp Genetics (formerly Invitae), Labcorp
Classification: Likely benign for Cohen syndrome. Last evaluated: 2026-01-17. Review status: criteria provided, single submitter. Criteria: Invitae Variant Classification Sherloc (09022015). Collection method: clinical testing. Allele origin: germline.

PreventionGenetics, part of Exact Sciences
Classification: Likely benign for VPS13B-related condition. Last evaluated: 2020-08-11. Review status: no assertion criteria provided. Collection method: clinical testing. Allele origin: germline. Not counted in ClinVar's aggregate classification.
Comment: This variant is classified as likely benign based on ACMG/AMP sequence variant interpretation guidelines (Richards et al. 2015 PMID: 25741868, with internal and published modifications).